The following is an entry in ClinVar:

ClinVar aggregate classification (germline): Uncertain significance (1 of 4 stars; one submission).

Submission:

Labcorp Genetics (formerly Invitae), Labcorp
Classification: Uncertain significance. Last evaluated: 2021-12-23. Review status: criteria provided, single submitter. Criteria: Invitae Variant Classification Sherloc (09022015). Collection method: clinical testing. Allele origin: germline.
Comment: In summary, the available evidence is currently insufficient to determine the role of this variant in disease. Therefore, it has been classified as a Variant of Uncertain Significance. Algorithms developed to predict the effect of missense changes on protein structure and function are either unavailable or do not agree on the potential impact of this missense change (SIFT: "Deleterious"; PolyPhen-2: "Benign"; Align-GVGD: "Class C0"). This variant has not been reported in the literature in individuals affected with SIPA1L3-related conditions. This variant is not present in population databases (gnomAD no frequency). This sequence change replaces proline, which is neutral and non-polar, with arginine, which is basic and polar, at codon 27 of the SIPA1L3 protein (p.Pro27Arg).

NM_015073.3(SIPA1L3):c.80C>G (p.Pro27Arg)

Gene: SIPA1L3 (signal induced proliferation associated 1 like 3; plus strand). Cytogenetic location: 19q13.13.
Variant type: single nucleotide variant.
Coding change: c.80C>G on transcript NM_015073.3 (MANE Select); coding-DNA position 80, C replaced by G.
Protein change: p.Pro27Arg; replaces proline 27 with arginine.
Molecular consequence: missense variant.
Genome position (GRCh38, 1-based): chr19:38,081,645, C>G. VCF-style: chr19-38081645-C-G. GRCh37 (hg19) VCF-style: chr19-38572285-C-G.
Other names: short protein forms P27R.
Identifiers: ClinVar variation 2055490 (VCV002055490.4), dbSNP rs2513634008, ClinGen allele CA405594604.